The following is an entry in ClinVar:

NM_000939.4(POMC):c.299C>G (p.Ala100Gly)

Gene: POMC (proopiomelanocortin; minus strand). Cytogenetic location: 2p23.3.
Variant type: single nucleotide variant.
Coding change: c.299C>G on transcript NM_000939.4 (MANE Select); coding-DNA position 299, C replaced by G.
Protein change: p.Ala100Gly; replaces alanine 100 with glycine.
Molecular consequence: missense variant.
Genome position (GRCh38, 1-based): chr2:25,161,586, G>C on the plus strand (C>G on the coding strand, the complement: POMC is on the minus strand). VCF-style: chr2-25161586-G-C. GRCh37 (hg19) VCF-style: chr2-25384455-G-C.
Other names: c.299C>G, p.Ala100Gly (NM_001035256.3, NM_001319204.2, NM_001319205.2); c.299C>G (NM_000939.3); short protein forms A100G.
Identifiers: ClinVar variation 1969856 (VCV001969856.4), dbSNP rs754983656, ClinGen allele CA1555324.

ClinVar aggregate classification (germline): Uncertain significance. Review status: criteria provided, single submitter (1 of 4 stars). 2 submissions from 2 submitters: Uncertain significance (1). 1 of the submissions does not count toward it. Last evaluated 2022-02-28.

Conditions:
POMC-related disorder. Also called: POMC-related condition; POMC-related disorders.

Allele frequency attached by ClinVar (database versions not stated): gnomAD exomes below 0.00001; gnomAD 0.00001; ExAC 0.00006.
gnomAD v4.1: 8 of 1,490,262 alleles (0.00054%); highest among the groups gnomAD compares: Admixed American, 0.0059%; no homozygotes.

Submissions (2):

Labcorp Genetics (formerly Invitae), Labcorp
Classification: Uncertain significance. Last evaluated: 2022-02-28. Review status: criteria provided, single submitter. Criteria: Invitae Variant Classification Sherloc (09022015). Collection method: clinical testing. Allele origin: germline.
Comment: This variant is present in population databases (rs754983656, gnomAD 0.01%). In summary, the available evidence is currently insufficient to determine the role of this variant in disease. Therefore, it has been classified as a Variant of Uncertain Significance. Algorithms developed to predict the effect of missense changes on protein structure and function are either unavailable or do not agree on the potential impact of this missense change (SIFT: "Not Available"; PolyPhen-2: "Benign"; Align-GVGD: "Not Available"). This variant has not been reported in the literature in individuals affected with POMC-related conditions. This sequence change replaces alanine, which is neutral and non-polar, with glycine, which is neutral and non-polar, at codon 100 of the POMC protein (p.Ala100Gly).

PreventionGenetics, part of Exact Sciences
Classification: Uncertain significance for POMC-related condition. Last evaluated: 2024-05-31. Review status: no assertion criteria provided. Collection method: clinical testing. Allele origin: germline. Not counted in ClinVar's aggregate classification.
Comment: The POMC c.299C>G variant is predicted to result in the amino acid substitution p.Ala100Gly. This variant was observed in a cohort of individuals with obesity, and in vitro functional studies showed evidence of gain of function (Supplemental Data Set, Shah et al. 2023. PubMed ID: 36864747). Of note, other variants impacting the p.Ala100 amino acid were also observed in this cohort of individuals with obesity; however, only one other variant showed evidence of gain of function (p.Ala100Ser) and the other variants had functional data similar to wild type levels (p.Ala100Val, p.Ala100Pro, p.Ala100Thr, and p.Ala100Glu). This variant is reported in 0.012% of alleles in individuals of Latino descent in gnomAD. At this time, the clinical significance of this variant is uncertain due to the absence of conclusive functional and genetic evidence.